The following continues an entry in ClinVar:

NM_000492.4(CFTR):c.3472C>T (p.Arg1158Ter)

ClinVar aggregate classification (germline): Pathogenic. Pathogenic (1).

Submissions 16 to 25 of 25:

ARUP Laboratories, Molecular Genetics and Genomics, ARUP Laboratories
Classification: Pathogenic. Last evaluated: 2017-10-04. Review status: criteria provided, single submitter. Criteria: ARUP Molecular Germline Variant Investigation Process. Collection method: clinical testing. Allele origin: germline. Not counted in ClinVar's aggregate classification.
Comment: The CFTR c.3472C>T; p.Arg1158Ter variant is reported in the medical literature in individuals with cystic fibrosis and related disorders (Amato 2012, Frossard 2000, Ooi 2012, Sosnay 2013). The variant is listed in the ClinVar database (Variation ID: 7144), in the dbSNP variant database (rs79850223), and in the Genome Aggregation Database with a low population frequency (8/245236 alleles). This variant introduces a premature termination codon and is predicted to result in a truncated protein or mRNA subject to non-sense mediated decay. Considering available information, this variant is classified as severely pathogenic. References: Amato F et al. Extensive molecular analysis of patients bearing CFTR-related disorders. J Mol Diagn. 2012 Jan;14(1):81-9. Frossard PM et al. Mild clinical phenotype associated with R1158X/S549R(T-->G) CFTR genotype. Clin Genet. 2000 Aug;58(2):147-9. Ooi CY and Durie PR. Cystic fibrosis transmembrane conductance regulator (CFTR) gene mutations in pancreatitis. J Cyst Fibros. 2012 Sep;11(5):355-62. Sosnay PR et al. Defining the disease liability of variants in the cystic fibrosis transmembrane conductance regulator gene. Nat Genet. 2013 Oct;45(10):1160-7.

GeneDx
Classification: Pathogenic. Last evaluated: 2017-06-16. Review status: criteria provided, single submitter. Criteria: GeneDx Variant Classification (06012015). Collection method: clinical testing. Allele origin: germline. Affected: yes. Not counted in ClinVar's aggregate classification.
Comment: The R1158X variant in the CFTR gene has been reported previously in association with cystic fibrosis (Ronchetto et al., 1992; Frossard et al., 2000; Ooi et al., 2012; Sosnay et al., 2013). This variant is predicted to cause loss of normal protein function either through protein truncation or nonsense-mediated mRNA decay. The R1158X variant is not observed at a significant frequency in large population cohorts (Lek et al., 2016). We interpret R1158X as a pathogenic variant.

Women's Health and Genetics/Laboratory Corporation of America, LabCorp
Classification: Pathogenic for Cystic fibrosis. Last evaluated: 2016-09-28. Review status: criteria provided, single submitter. Criteria: LabCorp Variant Classification Summary - May 2015. Collection method: clinical testing. Allele origin: germline. Not counted in ClinVar's aggregate classification.
Comment: Variant summary: The CFTR c.3472C>T (p.Arg1158X) variant results in a premature termination codon, predicted to cause a truncated or absent CFTR protein due to nonsense mediated decay, which are commonly known mechanisms in CF or CFTR-related diseases. Truncations downstream of this position have been classified as pathogenic by our laboratory (e.g. p.Arg1162X, p.Gln1382X, p.Ser1455X, etc.). This variant was found in 5/120064 control chromosomes at a frequency of 0.0000416, which does not exceed the estimated maximal expected allele frequency of a pathogenic CFTR variant (0.0129603). This variant has been reported in many affected individuals with CF and CF-RDs (Amato_2012, Sosnay_2013). Multiple clinical diagnostic laboratories/reputable databases have classified this variant as pathogenic. Taken together, this variant is classified as Pathogenic.

Baylor Genetics
Classification: Pathogenic for Congenital bilateral aplasia of vas deferens from CFTR mutation; Cystic fibrosis. Review status: criteria provided, single submitter. Criteria: ACMG Guidelines, 2015. Collection method: clinical testing. Allele origin: germline. Not counted in ClinVar's aggregate classification.

Foundation for Research in Genetics and Endocrinology, FRIGE's Institute of Human Genetics
Classification: Pathogenic for Bronchiectasis with or without elevated sweat chloride 1. Review status: criteria provided, single submitter. Criteria: ACMG Guidelines, 2015. Collection method: clinical testing. Allele origin: germline. Inheritance: Autosomal dominant inheritance. Affected: yes. Observed: 1 heterozygote. Not counted in ClinVar's aggregate classification.
Comment: A heterozygous variant in exon 22 of the CFTR gene that results in the premature protein termination (p.Arg1158Ter) was detected. The observed variant c.3472C>T(p.Arg1158Ter) has been reported in the 1000 genomes and has a MAF of 0.003% in the gnomAD database. The in-silico prediction of the variant is damaging by MutationTaster2. In summary, the variant meets our criteria to be classified as pathogenic.

Kariminejad - Najmabadi Pathology & Genetics Center
Classification: Pathogenic for Cystic fibrosis. Review status: criteria provided, single submitter. Criteria: ACMG Guidelines, 2015. Collection method: clinical testing. Allele origin: germline. Affected: no. Not counted in ClinVar's aggregate classification.

OMIM
Classification: Pathogenic for CYSTIC FIBROSIS. Last evaluated: 1992-02-01. Review status: no assertion criteria provided. Collection method: literature only. Allele origin: germline. Not counted in ClinVar's aggregate classification.

Clinical Genetics DNA and cytogenetics Diagnostics Lab, Erasmus MC, Erasmus Medical Center
Classification: Pathogenic. Review status: no assertion criteria provided. Collection method: clinical testing. Allele origin: germline. Affected: yes. Study: VKGL Data-share Consensus. Not counted in ClinVar's aggregate classification.

Diagnostic Laboratory, Department of Genetics, University Medical Center Groningen
Classification: Pathogenic. Review status: no assertion criteria provided. Collection method: clinical testing. Allele origin: germline. Affected: yes. Study: VKGL Data-share Consensus. Not counted in ClinVar's aggregate classification.

Joint Genome Diagnostic Labs from Nijmegen and Maastricht, Radboudumc and MUMC+
Classification: Pathogenic. Review status: no assertion criteria provided. Collection method: clinical testing. Allele origin: germline. Affected: yes. Study: VKGL Data-share Consensus. Not counted in ClinVar's aggregate classification.

Literature cited by the submitters: PubMed 1695717 (cited by Labcorp Genetics (formerly Invitae), Labcorp); PubMed 7691345 (cited by Labcorp Genetics (formerly Invitae), Labcorp); PubMed 9725922 (cited by Labcorp Genetics (formerly Invitae), Labcorp); PubMed 22020151 (cited by 4 submitters); PubMed 22658665 (cited by 4 submitters); PubMed 23974870 (cited by 4 submitters); PubMed 25583415 (cited by Natera, Inc.); PubMed 32026723 (cited by Natera, Inc.); PubMed 1371265 (cited by 4 submitters); PubMed 10388469 (cited by Ambry Genetics and Women's Health and Genetics/Laboratory Corporation of America, LabCorp); PubMed 15371903 (cited by Quest Diagnostics Nichols Institute San Juan Capistrano and Women's Health and Genetics/Laboratory Corporation of America, LabCorp); PubMed 11005149 (cited by Quest Diagnostics Nichols Institute San Juan Capistrano); PubMed 15176679 (cited by Quest Diagnostics Nichols Institute San Juan Capistrano and Women's Health and Genetics/Laboratory Corporation of America, LabCorp); PubMed 31672438 (cited by Quest Diagnostics Nichols Institute San Juan Capistrano); PubMed 21909392 (cited by Myriad Genetics, Inc.); PubMed 15371902 (cited by Women's Health and Genetics/Laboratory Corporation of America, LabCorp); PubMed 8707306 (cited by Women's Health and Genetics/Laboratory Corporation of America, LabCorp).